The following is an entry in ClinVar:

ClinVar aggregate classification (germline): Likely pathogenic (1 of 4 stars; one submission).

Submission:

Labcorp Genetics (formerly Invitae), Labcorp
Classification: Likely pathogenic. Last evaluated: 2025-12-15. Review status: criteria provided, single submitter. Criteria: Invitae Variant Classification Sherloc (09022015). Collection method: clinical testing. Allele origin: germline.
Comment: This sequence change affects an acceptor splice site in intron 4 of the EDNRB gene. It is expected to disrupt RNA splicing. Variants that disrupt the donor or acceptor splice site typically lead to a loss of protein function (PMID: 16199547), and loss-of-function variants in EDNRB are known to be pathogenic (PMID: 8001159, 10528251, 20127975, 30394532). This variant is not present in population databases (gnomAD no frequency). This variant has not been reported in the literature in individuals affected with EDNRB-related conditions. ClinVar contains an entry for this variant (Variation ID: 2703295). Algorithms developed to predict the effect of sequence changes on RNA splicing suggest that this variant may disrupt the consensus splice site. In summary, the currently available evidence indicates that the variant is pathogenic, but additional data are needed to prove that conclusively. Therefore, this variant has been classified as Likely Pathogenic.

Literature cited by the submitters: PubMed 16199547; PubMed 8001159; PubMed 10528251; PubMed 20127975; PubMed 30394532.

NM_001122659.3(EDNRB):c.802-1G>T

Genes: EDNRB (endothelin receptor type B; minus strand), EDNRB-AS1 (EDNRB antisense RNA 1; plus strand). Cytogenetic location: 13q22.3.
Variant type: single nucleotide variant.
Coding change: c.802-1G>T on transcript NM_001122659.3 (MANE Select); the canonical splice acceptor site of the intron before coding-DNA position 802, G replaced by T.
Molecular consequence: splice acceptor variant.
Genome position (GRCh38, 1-based): chr13:77,901,208, C>A on the plus strand (G>T on the coding strand, the complement: EDNRB is on the minus strand). VCF-style: chr13-77901208-C-A. GRCh37 (hg19) VCF-style: chr13-78475343-C-A.
Other names: c.802-1G>T (NM_000115.5, NM_003991.4); c.1072-1G>T (NM_001201397.2).
Identifiers: ClinVar variation 2703295 (VCV002703295.3), dbSNP rs1555290401, ClinGen allele CA388452223.
Genomic context (GRCh38, chr13:77,901,208, plus strand): 5'-GGCCAATGGCAAGCAGAAATAGAAACTGAATAGCCACCAATCTTTTGCTGTCTTGTAAAA[C>A]TATAGGGATGAGAGAATTTTTACGATTAATACTCCTCTGTAAGAAAATCTTATATAACAA-3'